The following is an entry in ClinVar:

ClinVar aggregate classification (germline): Pathogenic (1 of 4 stars; one submission).

Submission:

CeGaT Center for Human Genetics Tuebingen
Classification: Pathogenic. Last evaluated: 2026-05-01. Review status: criteria provided, single submitter. Criteria: CeGaT Center For Human Genetics Tuebingen Variant Classification Criteria Version 2. Collection method: clinical testing. Allele origin: germline. Affected: yes. Observed: 1 variant allele.
Comment: NF1: PVS1, PM2

NM_001042492.3(NF1):c.6853_6854insGA (p.Tyr2285Ter)

Gene: NF1 (neurofibromin 1; plus strand). Cytogenetic location: 17q11.2.
Variant type: Insertion.
Coding change: c.6853_6854insGA on transcript NM_001042492.3 (MANE Select); coding-DNA positions 6853 to 6854, GA inserted.
Protein change: p.Tyr2285Ter; replaces tyrosine 2285 with a stop codon.
Molecular consequence: nonsense.
Genome position: GRCh38 VCF-style: chr17-31338737-T-TGA. GRCh37 (hg19) VCF-style: chr17-29665755-T-TGA.
Other names: c.6790_6791insGA, p.Tyr2264Ter (NM_000267.4); short protein forms Y2264*, Y2285*.
Identifiers: ClinVar variation 4874918 (VCV004874918.2).